The following is an entry in ClinVar:

ClinVar aggregate classification (germline): Uncertain significance (1 of 4 stars; one submission).

Conditions:
Sulfite oxidase deficiency due to molybdenum cofactor deficiency type A. Also called: Molybdenum cofactor deficiency, complementation group A; Molybdenum Cofactor Deficiency A. Identifiers: Orphanet 308386, Orphanet 833, MedGen C1854988, MONDO:0009643, OMIM 252150.

gnomAD v4.1: 1 of 1,614,018 alleles (0.000062%); highest among the groups gnomAD compares: Non-Finnish European, 0.000085%; no homozygotes.

Submission:

Labcorp Genetics (formerly Invitae), Labcorp
Classification: Uncertain significance for Sulfite oxidase deficiency due to molybdenum cofactor deficiency type A. Last evaluated: 2020-08-20. Review status: criteria provided, single submitter. Criteria: Invitae Variant Classification Sherloc (09022015). Collection method: clinical testing. Allele origin: germline.
Comment: This sequence change replaces glutamic acid with valine at codon 247 of the MOCS1 protein (p.Glu247Val). The glutamic acid residue is highly conserved and there is a moderate physicochemical difference between glutamic acid and valine. This variant is not present in population databases (ExAC no frequency). This variant has not been reported in the literature in individuals with MOCS1-related conditions. Algorithms developed to predict the effect of missense changes on protein structure and function (SIFT, PolyPhen-2, Align-GVGD) all suggest that this variant is likely to be disruptive, but these predictions have not been confirmed by published functional studies and their clinical significance is uncertain. In summary, the available evidence is currently insufficient to determine the role of this variant in disease. Therefore, it has been classified as a Variant of Uncertain Significance.

NM_001358530.2(MOCS1):c.740A>T (p.Glu247Val)

Gene: MOCS1 (molybdenum cofactor synthesis 1; minus strand). Cytogenetic location: 6p21.2.
Variant type: single nucleotide variant.
Coding change: c.740A>T on transcript NM_001358530.2 (MANE Select); coding-DNA position 740, A replaced by T.
Protein change: p.Glu247Val; replaces glutamic acid 247 with valine.
Molecular consequence: missense variant. On other transcripts: non-coding transcript variant (1).
Genome position (GRCh38, 1-based): chr6:39,913,334, T>A on the plus strand (A>T on the coding strand, the complement: MOCS1 is on the minus strand). VCF-style: chr6-39913334-T-A. GRCh37 (hg19) VCF-style: chr6-39881078-T-A.
Other names: c.740A>T, p.Glu247Val (NM_001075098.4, NM_001358529.2, NM_005943.6); c.479A>T, p.Glu160Val (NM_001358531.2, NM_001358533.2, NM_001358534.2); short protein forms E160V, E247V.
Identifiers: ClinVar variation 1053966 (VCV001053966.9), dbSNP rs2149404000, ClinGen allele CA364043877.
Genomic context (GRCh38, chr6:39,913,334, plus strand): 5'-CCAACCCCTTCTTCCCTCCCTCAACCCATCCCTGGTCACTGACCATCAAAGGGCATATAC[T>A]CTATGAAGCGCACATCCAGGGGGAGGCCCTCAGTCAAGGCCGCAAAGTCCAGGAGTTCAT-3'
Protein context (NP_001345459.1, residues 237-257): EGLPLDVRFI[Glu247Val]YMPFDGNKWN